The following is an entry in ClinVar:

NM_001384732.1(CPLANE1):c.1739G>A (p.Trp580Ter)

Gene: CPLANE1 (ciliogenesis and planar polarity effector complex subunit 1; minus strand). Cytogenetic location: 5p13.2.
Variant type: single nucleotide variant.
Coding change: c.1739G>A on transcript NM_001384732.1 (MANE Select); coding-DNA position 1739, G replaced by A.
Protein change: p.Trp580Ter; replaces tryptophan 580 with a stop codon.
Molecular consequence: nonsense.
Genome position (GRCh38, 1-based): chr5:37,226,856, C>T on the plus strand (G>A on the coding strand, the complement: CPLANE1 is on the minus strand). VCF-style: chr5-37226856-C-T. GRCh37 (hg19) VCF-style: chr5-37226958-C-T.
Other names: c.1739G>A, p.Trp580Ter (NM_023073.4); short protein forms W580*.
Identifiers: ClinVar variation 1997066 (VCV001997066.4), dbSNP rs1796575397, ClinGen allele CA359500097.
Genomic context (GRCh38, chr5:37,226,856, plus strand): 5'-ACTACTATGTAATTTAACATTAAATTTTTTTCTGTCACAGTTTTTGAAATTCCTATAGTC[C>T]ACGCTGCAAGTAGACTTTTCTGGATAGAATGCAGTTCTGTAATGGTTCTATCTGTCTCCT-3'

ClinVar aggregate classification (germline): Pathogenic (1 of 4 stars; one submission).

Allele frequency attached by ClinVar (database versions not stated): TOPMed 0.00001.

Submission:

Labcorp Genetics (formerly Invitae), Labcorp
Classification: Pathogenic. Last evaluated: 2022-05-20. Review status: criteria provided, single submitter. Criteria: Invitae Variant Classification Sherloc (09022015). Collection method: clinical testing. Allele origin: germline.
Comment: This variant is not present in population databases (gnomAD no frequency). This sequence change creates a premature translational stop signal (p.Trp580*) in the CPLANE1 gene. It is expected to result in an absent or disrupted protein product. Loss-of-function variants in CPLANE1 are known to be pathogenic (PMID: 24178751, 26092869). This variant has not been reported in the literature in individuals affected with CPLANE1-related conditions. For these reasons, this variant has been classified as Pathogenic.

Literature cited by the submitters: PubMed 24178751; PubMed 26092869.